The following is an entry in ClinVar:

ClinVar aggregate classification (germline): Uncertain significance (1 of 4 stars; one submission).

gnomAD v4.1: 6 of 1,610,518 alleles (0.00037%); highest among the groups gnomAD compares: Non-Finnish European, 0.00051%; no homozygotes.

Submission:

Labcorp Genetics (formerly Invitae), Labcorp
Classification: Uncertain significance. Last evaluated: 2022-08-31. Review status: criteria provided, single submitter. Criteria: Invitae Variant Classification Sherloc (09022015). Collection method: clinical testing. Allele origin: germline.
Comment: In summary, the available evidence is currently insufficient to determine the role of this variant in disease. Therefore, it has been classified as a Variant of Uncertain Significance. Algorithms developed to predict the effect of missense changes on protein structure and function are either unavailable or do not agree on the potential impact of this missense change (SIFT: "Deleterious"; PolyPhen-2: "Probably Damaging"; Align-GVGD: "Class C0"). This variant has not been reported in the literature in individuals affected with DOCK6-related conditions. This variant is not present in population databases (gnomAD no frequency). This sequence change replaces proline, which is neutral and non-polar, with threonine, which is neutral and polar, at codon 53 of the DOCK6 protein (p.Pro53Thr).

NM_020812.4(DOCK6):c.157C>A (p.Pro53Thr)

Gene: DOCK6 (dedicator of cytokinesis 6; minus strand). Cytogenetic location: 19p13.2.
Variant type: single nucleotide variant.
Coding change: c.157C>A on transcript NM_020812.4 (MANE Select); coding-DNA position 157, C replaced by A.
Protein change: p.Pro53Thr; replaces proline 53 with threonine.
Molecular consequence: missense variant.
Genome position (GRCh38, 1-based): chr19:11,252,934, G>T on the plus strand (C>A on the coding strand, the complement: DOCK6 is on the minus strand). VCF-style: chr19-11252934-G-T. GRCh37 (hg19) VCF-style: chr19-11363610-G-T.
Other names: c.157C>A, p.Pro53Thr (NM_001367830.1); short protein forms P53T.
Identifiers: ClinVar variation 1956474 (VCV001956474.5), dbSNP rs1237004382, ClinGen allele CA404118693.